The following is an entry in ClinVar:

NM_001006658.3(CR2):c.2358T>C (p.Asn786=)

Gene: CR2 (complement C3d receptor 2; plus strand). Cytogenetic location: 1q32.2.
Variant type: single nucleotide variant.
Coding change: c.2358T>C on transcript NM_001006658.3 (MANE Select); coding-DNA position 2358, T replaced by C.
Protein change: p.Asn786=; no amino-acid change (asparagine 786 retained).
Molecular consequence: synonymous variant.
Genome position (GRCh38, 1-based): chr1:207,474,858, T>C. VCF-style: chr1-207474858-T-C. GRCh37 (hg19) VCF-style: chr1-207648203-T-C.
Other names: c.2181T>C, p.Asn727= (NM_001877.5).
Identifiers: ClinVar variation 1541456 (VCV001541456.11), dbSNP rs200764424, ClinGen allele CA1368976.

ClinVar aggregate classification (germline): Likely benign. Review status: criteria provided, multiple submitters, no conflicts (2 of 4 stars). 3 submissions from 3 submitters: Likely benign (3). Last evaluated 2026-05-01.

Conditions:
Immunodeficiency, common variable, 7. Identifiers: Orphanet 1572, Orphanet 696894, MedGen C3542922, MONDO:0013862, OMIM 614699.

Allele frequency attached by ClinVar (database versions not stated): ExAC 0.00001; gnomAD exomes 0.00003; gnomAD 0.00005 and 0.00006; TOPMed 0.00005.
gnomAD v4.1: 99 of 1,613,900 alleles (0.0061%); highest among the groups gnomAD compares: Non-Finnish European, 0.0081%; no homozygotes.

Submissions (3):

CeGaT Center for Human Genetics Tuebingen
Classification: Likely benign. Last evaluated: 2026-05-01. Review status: criteria provided, single submitter. Criteria: CeGaT Center For Human Genetics Tuebingen Variant Classification Criteria Version 2. Collection method: clinical testing. Allele origin: germline. Affected: yes. Observed: 1 variant allele.
Comment: CR2: BP4, BP7

Labcorp Genetics (formerly Invitae), Labcorp
Classification: Likely benign for Immunodeficiency, common variable, 7. Last evaluated: 2025-08-18. Review status: criteria provided, single submitter. Criteria: Invitae Variant Classification Sherloc (09022015). Collection method: clinical testing. Allele origin: germline.

Blueprint Genetics
Classification: Likely benign. Last evaluated: 2024-11-18. Review status: criteria provided, single submitter. Criteria: ACMG Guidelines, 2015. Collection method: clinical testing. Allele origin: germline.